The following is an entry in ClinVar:

NM_015425.6(POLR1A):c.4810G>A (p.Asp1604Asn)

Gene: POLR1A (RNA polymerase I subunit A; minus strand). Cytogenetic location: 2p11.2.
Variant type: single nucleotide variant.
Coding change: c.4810G>A on transcript NM_015425.6 (MANE Select); coding-DNA position 4810, G replaced by A.
Protein change: p.Asp1604Asn; replaces aspartic acid 1604 with asparagine.
Molecular consequence: missense variant.
Genome position (GRCh38, 1-based): chr2:86,028,681, C>T on the plus strand (G>A on the coding strand, the complement: POLR1A is on the minus strand). VCF-style: chr2-86028681-C-T. GRCh37 (hg19) VCF-style: chr2-86255804-C-T.
Other names: short protein forms D1604N.
Identifiers: ClinVar variation 4774765 (VCV004774765.1).

ClinVar aggregate classification (germline): Uncertain significance (1 of 4 stars; one submission).

Submission:

Labcorp Genetics (formerly Invitae), Labcorp
Classification: Uncertain significance. Last evaluated: 2025-05-27. Review status: criteria provided, single submitter. Criteria: Invitae Variant Classification Sherloc (09022015). Collection method: clinical testing. Allele origin: germline.
Comment: This sequence change replaces aspartic acid, which is acidic and polar, with asparagine, which is neutral and polar, at codon 1604 of the POLR1A protein (p.Asp1604Asn). This variant is present in population databases (rs748890003, gnomAD 0.0009%). This variant has not been reported in the literature in individuals affected with POLR1A-related conditions. Invitae Evidence Modeling of protein sequence and biophysical properties (such as structural, functional, and spatial information, amino acid conservation, physicochemical variation, residue mobility, and thermodynamic stability) indicates that this missense variant is not expected to disrupt POLR1A protein function with a negative predictive value of 80%. In summary, the available evidence is currently insufficient to determine the role of this variant in disease. Therefore, it has been classified as a Variant of Uncertain Significance.